The following is an entry in ClinVar:

ClinVar aggregate classification (germline): Uncertain significance (1 of 4 stars; one submission).

Submission:

Labcorp Genetics (formerly Invitae), Labcorp
Classification: Uncertain significance. Last evaluated: 2025-02-11. Review status: criteria provided, single submitter. Criteria: Invitae Variant Classification Sherloc (09022015). Collection method: clinical testing. Allele origin: germline.
Comment: This sequence change replaces glycine, which is neutral and non-polar, with valine, which is neutral and non-polar, at codon 727 of the EPHB4 protein (p.Gly727Val). This variant is not present in population databases (gnomAD no frequency). This variant has not been reported in the literature in individuals affected with EPHB4-related conditions. Invitae Evidence Modeling of protein sequence and biophysical properties (such as structural, functional, and spatial information, amino acid conservation, physicochemical variation, residue mobility, and thermodynamic stability) indicates that this missense variant is expected to disrupt EPHB4 protein function with a positive predictive value of 95%. In summary, the available evidence is currently insufficient to determine the role of this variant in disease. Therefore, it has been classified as a Variant of Uncertain Significance.

NM_004444.5(EPHB4):c.2180G>T (p.Gly727Val)

Gene: EPHB4 (EPH receptor B4; minus strand). Cytogenetic location: 7q22.1.
Variant type: single nucleotide variant.
Coding change: c.2180G>T on transcript NM_004444.5 (MANE Select); coding-DNA position 2180, G replaced by T.
Protein change: p.Gly727Val; replaces glycine 727 with valine.
Molecular consequence: missense variant.
Genome position (GRCh38, 1-based): chr7:100,807,519, C>A on the plus strand (G>T on the coding strand, the complement: EPHB4 is on the minus strand). VCF-style: chr7-100807519-C-A. GRCh37 (hg19) VCF-style: chr7-100405141-C-A.
Other names: short protein forms G727V.
Identifiers: ClinVar variation 4747446 (VCV004747446.1).